The following is an entry in ClinVar:

ClinVar aggregate classification (germline): Uncertain significance. Review status: criteria provided, multiple submitters, no conflicts (2 of 4 stars). 2 submissions from 2 submitters: Uncertain significance (2). Last evaluated 2023-05-25.

Conditions:
Cardiovascular phenotype. Identifiers: MedGen CN230736.

gnomAD v4.1: 54 of 1,582,730 alleles (0.0034%); highest among the groups gnomAD compares: East Asian, 0.12%; no homozygotes.

Submissions (2):

Labcorp Genetics (formerly Invitae), Labcorp
Classification: Uncertain significance. Last evaluated: 2023-05-25. Review status: criteria provided, single submitter. Criteria: Invitae Variant Classification Sherloc (09022015). Collection method: clinical testing. Allele origin: germline.
Comment: In summary, the available evidence is currently insufficient to determine the role of this variant in disease. Therefore, it has been classified as a Variant of Uncertain Significance. An algorithm developed to predict the effect of missense changes on protein structure and function (PolyPhen-2) suggests that this variant is likely to be tolerated. ClinVar contains an entry for this variant (Variation ID: 1782140). This variant has not been reported in the literature in individuals affected with ALPK3-related conditions. This variant is present in population databases (no rsID available, gnomAD 0.006%). This sequence change replaces glycine, which is neutral and non-polar, with alanine, which is neutral and non-polar, at codon 632 of the ALPK3 protein (p.Gly632Ala).

Ambry Genetics
Classification: Uncertain significance for Cardiovascular phenotype. Last evaluated: 2022-10-14. Review status: criteria provided, single submitter. Criteria: Ambry Variant Classification Scheme 2023. Collection method: clinical testing. Allele origin: germline.
Comment: The p.G632A variant (also known as c.1895G>C), located in coding exon 5 of the ALPK3 gene, results from a G to C substitution at nucleotide position 1895. The glycine at codon 632 is replaced by alanine, an amino acid with similar properties. This amino acid position is conserved. In addition, this alteration is predicted to be tolerated by in silico analysis. Since supporting evidence is limited at this time, the clinical significance of this alteration remains unclear.

NM_020778.5(ALPK3):c.1289G>C (p.Gly430Ala)

Gene: ALPK3 (alpha kinase 3; plus strand). Cytogenetic location: 15q25.3.
Variant type: single nucleotide variant.
Coding change: c.1289G>C on transcript NM_020778.5 (MANE Select); coding-DNA position 1289, G replaced by C.
Protein change: p.Gly430Ala; replaces glycine 430 with alanine.
Molecular consequence: missense variant.
Genome position (GRCh38, 1-based): chr15:84,840,568, G>C. VCF-style: chr15-84840568-G-C. GRCh37 (hg19) VCF-style: chr15-85383799-G-C.
Other names: short protein forms G430A.
Identifiers: ClinVar variation 1782140 (VCV001782140.5), dbSNP rs1214064071, ClinGen allele CA393375282.